The following is an entry in ClinVar:

ClinVar aggregate classification (germline): Uncertain significance (1 of 4 stars; one submission).

Conditions:
RASopathy. Also called: rasopathies; Noonan spectrum disorder. Identifiers: Orphanet 536391, MedGen C5555857, MONDO:0021060.

gnomAD v4.1: 1 of 1,613,914 alleles (0.000062%); highest among the groups gnomAD compares: Non-Finnish European, 0.000085%; no homozygotes.

Submission:

Labcorp Genetics (formerly Invitae), Labcorp
Classification: Uncertain significance for RASopathy. Last evaluated: 2024-03-17. Review status: criteria provided, single submitter. Criteria: Invitae Variant Classification Sherloc (09022015). Collection method: clinical testing. Allele origin: germline.
Comment: This sequence change replaces serine, which is neutral and polar, with isoleucine, which is neutral and non-polar, at codon 216 of the CBL protein (p.Ser216Ile). This variant is not present in population databases (gnomAD no frequency). This variant has not been reported in the literature in individuals affected with CBL-related conditions. Advanced modeling of protein sequence and biophysical properties (such as structural, functional, and spatial information, amino acid conservation, physicochemical variation, residue mobility, and thermodynamic stability) has been performed at Invitae for this missense variant, however the output from this modeling did not meet the statistical confidence thresholds required to predict the impact of this variant on CBL protein function. In summary, the available evidence is currently insufficient to determine the role of this variant in disease. Therefore, it has been classified as a Variant of Uncertain Significance.

NM_005188.4(CBL):c.647G>T (p.Ser216Ile)

Gene: CBL (Cbl proto-oncogene; plus strand). Cytogenetic location: 11q23.3.
Variant type: single nucleotide variant.
Coding change: c.647G>T on transcript NM_005188.4 (MANE Select); coding-DNA position 647, G replaced by T.
Protein change: p.Ser216Ile; replaces serine 216 with isoleucine.
Molecular consequence: missense variant.
Genome position (GRCh38, 1-based): chr11:119,273,924, G>T. VCF-style: chr11-119273924-G-T. GRCh37 (hg19) VCF-style: chr11-119144634-G-T.
Other names: short protein forms S216I.
Identifiers: ClinVar variation 3681643 (VCV003681643.2).